The following is an entry in ClinVar:

NM_033637.4(BTRC):c.1010G>A (p.Arg337Gln)

Gene: BTRC (beta-transducin repeat containing E3 ubiquitin protein ligase; plus strand). Cytogenetic location: 10q24.32.
Variant type: single nucleotide variant.
Coding change: c.1010G>A on transcript NM_033637.4 (MANE Select); coding-DNA position 1010, G replaced by A.
Protein change: p.Arg337Gln; replaces arginine 337 with glutamine.
Molecular consequence: missense variant.
Genome position (GRCh38, 1-based): chr10:101,532,983, G>A. VCF-style: chr10-101532983-G-A. GRCh37 (hg19) VCF-style: chr10-103292740-G-A.
Other names: c.932G>A, p.Arg311Gln (NM_001256856.2); c.902G>A, p.Arg301Gln (NM_003939.5); short protein forms R301Q, R311Q, R337Q.
Identifiers: ClinVar variation 2185218 (VCV002185218.4), dbSNP rs200759313, ClinGen allele CA5656094.

ClinVar aggregate classification (germline): Uncertain significance (1 of 4 stars; one submission).

Allele frequency attached by ClinVar (database versions not stated): ExAC 0.00007; TOPMed 0.00008; gnomAD 0.00006.
gnomAD v4.1: 259 of 1,612,876 alleles (0.016%); highest among the groups gnomAD compares: Admixed American, 0.022%; no homozygotes.

Submission:

Labcorp Genetics (formerly Invitae), Labcorp
Classification: Uncertain significance. Last evaluated: 2022-07-23. Review status: criteria provided, single submitter. Criteria: Invitae Variant Classification Sherloc (09022015). Collection method: clinical testing. Allele origin: germline.
Comment: Algorithms developed to predict the effect of missense changes on protein structure and function are either unavailable or do not agree on the potential impact of this missense change (SIFT: "Deleterious"; PolyPhen-2: "Benign"; Align-GVGD: "Class C0"). This variant has not been reported in the literature in individuals affected with BTRC-related conditions. This variant is present in population databases (rs200759313, gnomAD 0.02%). This sequence change replaces arginine, which is basic and polar, with glutamine, which is neutral and polar, at codon 337 of the BTRC protein (p.Arg337Gln). In summary, the available evidence is currently insufficient to determine the role of this variant in disease. Therefore, it has been classified as a Variant of Uncertain Significance.